The following is an entry in ClinVar:

ClinVar aggregate classification (germline): Uncertain significance. Review status: criteria provided, multiple submitters, no conflicts (2 of 4 stars). 4 submissions from 4 submitters: Uncertain significance (4). Last evaluated 2025-09-26.

Conditions:
Seckel syndrome 6 (SCKL6). Identifiers: MedGen C3553582, MONDO:0013871, OMIM 614728.
Inborn genetic diseases. Identifiers: MedGen C0950123, MeSH D030342.

Allele frequency attached by ClinVar (database versions not stated): gnomAD 0.00004 and 0.00003; gnomAD exomes 0.00005 and 0.00009; ExAC 0.00004; ESP Exome Variant Server 0.00015; TOPMed 0.00002.
gnomAD v4.1: 134 of 1,613,248 alleles (0.0083%); highest among the groups gnomAD compares: Non-Finnish European, 0.0098%; no homozygotes.

Submissions (4):

Ambry Genetics
Classification: Uncertain significance for Inborn genetic diseases. Last evaluated: 2025-09-26. Review status: criteria provided, single submitter. Criteria: Ambry Variant Classification Scheme 2023. Collection method: clinical testing. Allele origin: germline.

Labcorp Genetics (formerly Invitae), Labcorp
Classification: Uncertain significance. Last evaluated: 2022-11-01. Review status: criteria provided, single submitter. Criteria: Invitae Variant Classification Sherloc (09022015). Collection method: clinical testing. Allele origin: germline.
Comment: This sequence change replaces arginine, which is basic and polar, with glutamine, which is neutral and polar, at codon 312 of the CEP63 protein (p.Arg312Gln). This variant is present in population databases (rs371924128, gnomAD 0.01%). This variant has not been reported in the literature in individuals affected with CEP63-related conditions. ClinVar contains an entry for this variant (Variation ID: 434753). Advanced modeling of protein sequence and biophysical properties (such as structural, functional, and spatial information, amino acid conservation, physicochemical variation, residue mobility, and thermodynamic stability) performed at Invitae indicates that this missense variant is not expected to disrupt CEP63 protein function. In summary, the available evidence is currently insufficient to determine the role of this variant in disease. Therefore, it has been classified as a Variant of Uncertain Significance.

Baylor Genetics
Classification: Uncertain significance for Seckel syndrome 6. Last evaluated: 2018-04-03. Review status: criteria provided, single submitter. Criteria: ACMG Guidelines, 2015. Collection method: clinical testing. Allele origin: de novo. Affected: yes.
Comment: This variant was determined to be of uncertain significance according to ACMG Guidelines, 2015 [PMID:25741868].

Genetic Services Laboratory, University of Chicago
Classification: Uncertain significance. Last evaluated: 2017-04-13. Review status: criteria provided, single submitter. Criteria: ACMG Guidelines, 2015. Collection method: clinical testing. Allele origin: germline. Affected: no.

NM_001353108.3(CEP63):c.935G>A (p.Arg312Gln)

Gene: CEP63 (centrosomal protein 63; plus strand). Cytogenetic location: 3q22.2.
Variant type: single nucleotide variant.
Coding change: c.935G>A on transcript NM_001353108.3 (MANE Select); coding-DNA position 935, G replaced by A.
Protein change: p.Arg312Gln; replaces arginine 312 with glutamine.
Molecular consequence: missense variant. On other transcripts: non-coding transcript variant (1), intron variant (12).
Genome position (GRCh38, 1-based): chr3:134,547,340, G>A. VCF-style: chr3-134547340-G-A. GRCh37 (hg19) VCF-style: chr3-134266182-G-A.
Other names: c.935G>A, p.Arg312Gln (NM_001042400.3, NM_001353110.1, NM_001353111.2 and 4 more transcripts); c.929+1052G>A (NM_001042384.2, NM_001353122.1, NM_001353109.1 and 6 more transcripts); c.956+1052G>A (NM_001353118.1); c.566+1052G>A (NM_001353126.2); c.845+1052G>A (NM_001353125.2); short protein forms R312Q.
Identifiers: ClinVar variation 434753 (VCV000434753.9), dbSNP rs371924128, ClinGen allele CA2628537.